The following is an entry in ClinVar:

NM_001256715.2(DNAAF3):c.34G>C (p.Gly12Arg)

Genes: DNAAF3 (dynein axonemal assembly factor 3; minus strand), DNAAF3-AS1 (DNAAF3 antisense RNA 1; plus strand). Cytogenetic location: 19q13.42.
Variant type: single nucleotide variant.
Coding change: c.34G>C on transcript NM_001256715.2 (MANE Select); coding-DNA position 34, G replaced by C.
Protein change: p.Gly12Arg; replaces glycine 12 with arginine.
Molecular consequence: missense variant. On other transcripts: 5 prime UTR variant (1).
Genome position (GRCh38, 1-based): chr19:55,166,380, C>G on the plus strand (G>C on the coding strand, the complement: DNAAF3 is on the minus strand). VCF-style: chr19-55166380-C-G. GRCh37 (hg19) VCF-style: chr19-55677748-C-G.
Other names: c.175G>C, p.Gly59Arg (NM_001256714.1, NM_178837.4); c.-205G>C (NM_001256716.2); short protein forms G59R, G12R.
Identifiers: ClinVar variation 525357 (VCV000525357.10), dbSNP rs759585776, ClinGen allele CA9668273.

ClinVar aggregate classification (germline): Uncertain significance. Review status: criteria provided, multiple submitters, no conflicts (2 of 4 stars). 2 submissions from 2 submitters: Uncertain significance (2). Last evaluated 2025-06-07.

Conditions:
Primary ciliary dyskinesia. Also called: Ciliary dyskinesia. Identifiers: Orphanet 244, MedGen C0008780, MONDO:0016575, HP:0012265.

Allele frequency attached by ClinVar (database versions not stated): ExAC 0.00001; gnomAD exomes 0.00001; TOPMed 0.00001; gnomAD 0.00002.
gnomAD v4.1: 11 of 1,613,746 alleles (0.00068%); highest among the groups gnomAD compares: Non-Finnish European, 0.00076%; no homozygotes.

Submissions (2):

Ambry Genetics
Classification: Uncertain significance for Primary ciliary dyskinesia. Last evaluated: 2025-06-07. Review status: criteria provided, single submitter. Criteria: Ambry Variant Classification Scheme 2023. Collection method: clinical testing. Allele origin: germline.

Labcorp Genetics (formerly Invitae), Labcorp
Classification: Uncertain significance for Primary ciliary dyskinesia. Last evaluated: 2022-06-20. Review status: criteria provided, single submitter. Criteria: Invitae Variant Classification Sherloc (09022015). Collection method: clinical testing. Allele origin: germline.
Comment: This variant is present in population databases (rs759585776, gnomAD 0.004%). This variant has not been reported in the literature in individuals affected with DNAAF3-related conditions. ClinVar contains an entry for this variant (Variation ID: 525357). Algorithms developed to predict the effect of missense changes on protein structure and function are either unavailable or do not agree on the potential impact of this missense change (SIFT: "Deleterious"; PolyPhen-2: "Probably Damaging"; Align-GVGD: "Class C0"). In summary, the available evidence is currently insufficient to determine the role of this variant in disease. Therefore, it has been classified as a Variant of Uncertain Significance. This sequence change replaces glycine, which is neutral and non-polar, with arginine, which is basic and polar, at codon 59 of the DNAAF3 protein (p.Gly59Arg).